The following is an entry in ClinVar:

NM_007294.4(BRCA1):c.5407-5T>G

Gene: BRCA1 (BRCA1 DNA repair associated; minus strand). Cytogenetic location: 17q21.31.
Variant type: single nucleotide variant.
Coding change: c.5407-5T>G on transcript NM_007294.4 (MANE Select); 5 bases into the intron before coding-DNA position 5407, T replaced by G.
Molecular consequence: intron variant.
Genome position (GRCh38, 1-based): chr17:43,047,708, A>C on the plus strand (T>G on the coding strand, the complement: BRCA1 is on the minus strand). VCF-style: chr17-43047708-A-C. GRCh37 (hg19) VCF-style: chr17-41199725-A-C.
Other names: c.1954-5T>G (NM_001408458.1, NM_001408461.1, NM_001408464.1 and 7 more transcripts); c.4516-5T>G (NM_001407967.1); c.5026-5T>G (NM_001407959.1); c.5140-5T>G (NM_001407931.1, NM_001407932.1, NM_001407928.1 and 4 more transcripts); c.5263-5T>G (NM_001407747.1, NM_001407745.1, NM_001407737.1 and 18 more transcripts); c.5023-5T>G (NM_001407962.1, NM_001407960.1); c.1594-5T>G (NM_001408512.1); c.1717-5T>G (NM_001408510.1); and 83 more.
Identifiers: ClinVar variation 865738 (VCV000865738.3), dbSNP rs2050996749, ClinGen allele CA916080780.

Conditions:
Breast-ovarian cancer, familial, susceptibility to, 1 (BROVCA1). Also called: BRCA1 Hereditary Breast and Ovarian Cancer; OVARIAN CANCER, SUSCEPTIBILITY TO. Identifiers: Orphanet 145, MedGen C2676676, MONDO:0011450, OMIM 604370. Disease mechanism: loss of function.

Submission:

Brotman Baty Institute, University of Washington
No classification provided (evidence only). Condition: Breast-ovarian cancer, familial 1. Review status: no classification provided. Collection method: in vitro. Allele origin: not applicable. Functional consequence: functionally_normal.
ClinVar note: "not provided" was previously submitted as the classification for the variant. However, the classification appeared to be based only on an observation of functional data so it was converted to no classification on 2025-07-30.